The following is an entry in ClinVar:

ClinVar aggregate classification (germline): Uncertain significance (1 of 4 stars; one submission).

Conditions:
Nemaline myopathy 2 (NEM2). Also called: Nemaline myopathy 2, autosomal recessive. Identifiers: MedGen C1850569, MONDO:0009725, OMIM 256030.

gnomAD v4.1: 3 of 1,593,010 alleles (0.00019%); highest among the groups gnomAD compares: Middle Eastern, 0.017%; no homozygotes.

Submission:

Labcorp Genetics (formerly Invitae), Labcorp
Classification: Uncertain significance for Nemaline myopathy 2. Last evaluated: 2025-02-04. Review status: criteria provided, single submitter. Criteria: Invitae Variant Classification Sherloc (09022015). Collection method: clinical testing. Allele origin: germline.
Comment: This sequence change replaces methionine, which is neutral and non-polar, with isoleucine, which is neutral and non-polar, at codon 6680 of the NEB protein (p.Met6680Ile). The frequency data for this variant in the population databases is considered unreliable, as metrics indicate poor data quality at this position in the gnomAD database. This variant has not been reported in the literature in individuals affected with NEB-related conditions. Experimental studies and prediction algorithms are not available or were not evaluated, and the functional significance of this variant is currently unknown. In summary, the available evidence is currently insufficient to determine the role of this variant in disease. Therefore, it has been classified as a Variant of Uncertain Significance.

NM_001164508.2(NEB):c.20040G>A (p.Met6680Ile)

Gene: NEB (nebulin; minus strand). Cytogenetic location: 2q23.3.
Variant type: single nucleotide variant.
Coding change: c.20040G>A on transcript NM_001164508.2 (MANE Select); coding-DNA position 20040, G replaced by A.
Protein change: p.Met6680Ile; replaces methionine 6680 with isoleucine.
Molecular consequence: missense variant.
Genome position (GRCh38, 1-based): chr2:151,549,645, C>T on the plus strand (G>A on the coding strand, the complement: NEB is on the minus strand). VCF-style: chr2-151549645-C-T. GRCh37 (hg19) VCF-style: chr2-152406159-C-T.
Other names: c.20040G>A, p.Met6680Ile (NM_001164507.2, NM_001271208.2); c.14937G>A, p.Met4979Ile (NM_004543.5); short protein forms M4979I, M6680I.
Identifiers: ClinVar variation 4761596 (VCV004761596.1).